The following is an entry in ClinVar:

NM_000454.5(SOD1):c.290A>T (p.Asp97Val)

Gene: SOD1 (superoxide dismutase 1; plus strand). Cytogenetic location: 21q22.11.
Variant type: single nucleotide variant.
Coding change: c.290A>T on transcript NM_000454.5 (MANE Select); coding-DNA position 290, A replaced by T.
Protein change: p.Asp97Val; replaces aspartic acid 97 with valine.
Molecular consequence: missense variant.
Genome position (GRCh38, 1-based): chr21:31,667,308, A>T. VCF-style: chr21-31667308-A-T. GRCh37 (hg19) VCF-style: chr21-33039621-A-T.
Other names: short protein forms D97V.
Identifiers: ClinVar variation 692200 (VCV000692200.3), dbSNP rs1555836803, ClinGen allele CA410037475.

ClinVar aggregate classification (germline): Likely pathogenic (1 of 4 stars; one submission).

Conditions:
Amyotrophic lateral sclerosis type 1 (ALS1). Also called: AMYOTROPHIC LATERAL SCLEROSIS 1, FAMILIAL. Identifiers: Orphanet 803, MedGen C1862939, MONDO:0007103, OMIM 105400.

Allele frequency attached by ClinVar (database versions not stated): gnomAD exomes below 0.00001.
gnomAD v4.1: 2 of 1,614,118 alleles (0.00012%); highest among the groups gnomAD compares: South Asian, 0.0022%; no homozygotes.

Submission:

Columbia University Laboratory of Personalized Genomic Medicine, Columbia University Medical Center
Classification: Likely pathogenic for Amyotrophic lateral sclerosis type 1. Last evaluated: 2014-03-20. Review status: criteria provided, single submitter. Criteria: ACMG Guidelines, 2015. Collection method: clinical testing. Allele origin: unknown. Inheritance: Autosomal recessive inheritance. Affected: no. Observed: 1 heterozygote.
Comment: It is noteworthy that compound heterozygous variants D90A and D96N (HGVS: new numbering, D97N)located in the same protein domain have been previously described in a recessive ALS family (Hand et al. Ann Neurol 2001:49;267-271) suggesting that the D97V variant is likely pathogenic and associated with autosomal recessive ALS.